The following is an entry in ClinVar:

ClinVar aggregate classification (germline): Likely benign (0 of 4 stars; one submission).

Conditions:
FBN2-related disorder. Also called: FBN2-related condition.

Allele frequency attached by ClinVar (database versions not stated): gnomAD exomes below 0.00001.
gnomAD v4.1: 1 of 1,613,506 alleles (0.000062%); highest among the groups gnomAD compares: Non-Finnish European, 0.000085%; no homozygotes.

Submission:

PreventionGenetics, part of Exact Sciences
Classification: Likely benign for FBN2-related condition. Last evaluated: 2021-06-01. Review status: no assertion criteria provided. Collection method: clinical testing. Allele origin: germline.
Comment: This variant is classified as likely benign based on ACMG/AMP sequence variant interpretation guidelines (Richards et al. 2015 PMID: 25741868, with internal and published modifications).

NM_001999.4(FBN2):c.5103T>C (p.Gly1701=)

Gene: FBN2 (fibrillin 2; minus strand). Cytogenetic location: 5q23.3.
Variant type: single nucleotide variant.
Coding change: c.5103T>C on transcript NM_001999.4 (MANE Select); coding-DNA position 5103, T replaced by C.
Protein change: p.Gly1701=; no amino-acid change (glycine 1701 retained).
Molecular consequence: synonymous variant.
Genome position (GRCh38, 1-based): chr5:128,310,080, A>G on the plus strand (T>C on the coding strand, the complement: FBN2 is on the minus strand). VCF-style: chr5-128310080-A-G. GRCh37 (hg19) VCF-style: chr5-127645772-A-G.
Identifiers: ClinVar variation 3059650 (VCV003059650.2), dbSNP rs1198777730, ClinGen allele CA446307237.